The following is an entry in ClinVar:

ClinVar aggregate classification (germline): Uncertain significance (1 of 4 stars; one submission).

Conditions:
Developmental and epileptic encephalopathy, 21 (DEE21). Also called: Early infantile epileptic encephalopathy 21. Identifiers: Orphanet 442835, MedGen C4014430, MONDO:0014360, OMIM 615833.

Allele frequency attached by ClinVar (database versions not stated): ExAC 0.00003; gnomAD exomes 0.00003; TOPMed 0.00005; gnomAD 0.00006.
gnomAD v4.1: 57 of 1,613,638 alleles (0.0035%); highest among the groups gnomAD compares: Non-Finnish European, 0.0047%; no homozygotes.

Submission:

Labcorp Genetics (formerly Invitae), Labcorp
Classification: Uncertain significance for Developmental and epileptic encephalopathy, 21. Last evaluated: 2025-05-27. Review status: criteria provided, single submitter. Criteria: Invitae Variant Classification Sherloc (09022015). Collection method: clinical testing. Allele origin: germline.
Comment: This sequence change replaces valine, which is neutral and non-polar, with alanine, which is neutral and non-polar, at codon 19 of the NECAP1 protein (p.Val19Ala). This variant is present in population databases (rs780390533, gnomAD 0.007%). This variant has not been reported in the literature in individuals affected with NECAP1-related conditions. ClinVar contains an entry for this variant (Variation ID: 575282). An algorithm developed to predict the effect of missense changes on protein structure and function (PolyPhen-2) suggests that this variant is likely to be disruptive. In summary, the available evidence is currently insufficient to determine the role of this variant in disease. Therefore, it has been classified as a Variant of Uncertain Significance.

NM_015509.4(NECAP1):c.56T>C (p.Val19Ala)

Genes: NECAP1 (NECAP endocytosis associated 1; plus strand), LOC126861440 (MED14-independent group 3 enhancer GRCh37_chr12:8234132-8235331; plus strand). Cytogenetic location: 12p13.31.
Variant type: single nucleotide variant.
Coding change: c.56T>C on transcript NM_015509.4 (MANE Select); coding-DNA position 56, T replaced by C.
Protein change: p.Val19Ala; replaces valine 19 with alanine.
Molecular consequence: missense variant. On other transcripts: non-coding transcript variant (1).
Genome position (GRCh38, 1-based): chr12:8,082,344, T>C. VCF-style: chr12-8082344-T-C. GRCh37 (hg19) VCF-style: chr12-8234940-T-C.
Other names: short protein forms V19A.
Identifiers: ClinVar variation 575282 (VCV000575282.8), dbSNP rs780390533, ClinGen allele CA6432139.
Genomic context (GRCh38, chr12:8,082,344, plus strand): 5'-CCAAGATGGCGACCGAGTTGGAGTACGAGTCTGTGCTGTGTGTGAAGCCAGACGTCAGCG[T>C]CTACCGGATTCCGCCCCGGGCCTCCAACCGCGGTTACAGGTACTAACCCCGAGGCGCTGC-3'
Protein context (NP_056324.2, residues 9-29): SVLCVKPDVS[Val19Ala]YRIPPRASNR